The following is an entry in ClinVar:

NM_005445.4(SMC3):c.1486CTT[1] (p.Leu497del)

Gene: SMC3 (structural maintenance of chromosomes 3; plus strand). Cytogenetic location: 10q25.2.
Variant type: Microsatellite.
Coding change: c.1486CTT[1] on transcript NM_005445.4 (MANE Select); one copy of the 3-base unit CTT starting at c.1486; the reference has two copies in a row; one copy, 3 bases deleted.
Protein change: p.Leu497del; deletes leucine 497.
Genome position (GRCh38, 1-based): chr10:110,589,971-110,589,973, CTT deleted; deleting any 3 consecutive bases within chr10:110,589,968-110,589,973 gives the same sequence; the position shown is the placement nearest the transcript's 3' end. VCF-style (leftmost placement, unchanged base first): chr10-110589967-ACTT-A. GRCh37 (hg19) VCF-style: chr10-112349725-ACTT-A.
Other names: c.1489_1491delCTT (NM_005445.4); short protein forms L497del.
Identifiers: ClinVar variation 3375377 (VCV003375377.1).

ClinVar aggregate classification (germline): Uncertain significance (1 of 4 stars; one submission).

Submission:

Women's Health and Genetics/Laboratory Corporation of America, LabCorp
Classification: Uncertain significance. Last evaluated: 2024-09-19. Review status: criteria provided, single submitter. Criteria: LabCorp Variant Classification Summary - May 2015. Collection method: clinical testing. Allele origin: germline.
Comment: Variant summary: SMC3 c.1489_1491delCTT (p.Leu497del) results in an in-frame deletion that is predicted to remove one amino acid from the encoded protein. The variant allele was found at a frequency of 4e-06 in 249894 control chromosomes. The available data on variant occurrences in the general population are insufficient to allow any conclusion about variant significance. To our knowledge, no occurrence of c.1489_1491delCTT in individuals affected with Cornelia De Lange Syndrome 3 and no experimental evidence demonstrating its impact on protein function have been reported. No submitters have cited clinical-significance assessments for this variant to ClinVar. Based on the evidence outlined above, the variant was classified as uncertain significance.